The following is an entry in ClinVar:

NM_145038.5(DRC1):c.1612G>A (p.Glu538Lys)

Gene: DRC1 (dynein regulatory complex subunit 1; plus strand). Cytogenetic location: 2p23.3.
Variant type: single nucleotide variant.
Coding change: c.1612G>A on transcript NM_145038.5 (MANE Select); coding-DNA position 1612, G replaced by A.
Protein change: p.Glu538Lys; replaces glutamic acid 538 with lysine.
Molecular consequence: missense variant.
Genome position (GRCh38, 1-based): chr2:26,450,604, G>A. VCF-style: chr2-26450604-G-A. GRCh37 (hg19) VCF-style: chr2-26673472-G-A.
Other names: short protein forms E538K.
Identifiers: ClinVar variation 2091855 (VCV002091855.4), dbSNP rs2465444986, ClinGen allele CA346116376.

ClinVar aggregate classification (germline): Uncertain significance (1 of 4 stars; one submission).

Conditions:
Primary ciliary dyskinesia. Also called: Ciliary dyskinesia. Identifiers: Orphanet 244, MedGen C0008780, MONDO:0016575, HP:0012265.

Submission:

Labcorp Genetics (formerly Invitae), Labcorp
Classification: Uncertain significance for Primary ciliary dyskinesia. Last evaluated: 2022-02-02. Review status: criteria provided, single submitter. Criteria: Invitae Variant Classification Sherloc (09022015). Collection method: clinical testing. Allele origin: germline.
Comment: This variant has not been reported in the literature in individuals affected with DRC1-related conditions. This variant is not present in population databases (gnomAD no frequency). This sequence change replaces glutamic acid, which is acidic and polar, with lysine, which is basic and polar, at codon 538 of the DRC1 protein (p.Glu538Lys). Algorithms developed to predict the effect of missense changes on protein structure and function (SIFT, PolyPhen-2, Align-GVGD) all suggest that this variant is likely to be tolerated. In summary, the available evidence is currently insufficient to determine the role of this variant in disease. Therefore, it has been classified as a Variant of Uncertain Significance.